The following is an entry in ClinVar:

ClinVar aggregate classification (germline): Benign/Likely benign. Review status: criteria provided, multiple submitters, no conflicts (2 of 4 stars). 15 submissions from 14 submitters: Benign (7); Likely benign (7). 1 of the submissions does not count toward it. Last evaluated 2026-09-01.

Conditions:
Familial intrahepatic cholestasis. Identifiers: Orphanet 284385, MedGen CN296401, MONDO:0017290.
Low phospholipid associated cholelithiasis (GBD1). Also called: Gallbladder disease 1; Gallstone cholecystitis. Identifiers: Orphanet 69663, MedGen C2609268, MONDO:0010939, OMIM 600803.
Cholestasis, intrahepatic, of pregnancy, 3. Identifiers: Orphanet 69665, MedGen C3554241, MONDO:0013995, OMIM 614972.
Progressive familial intrahepatic cholestasis type 3. Also called: MDR3 DEFICIENCY; Low Gamma-GT Familial Intrahepatic Cholestasis. Identifiers: Orphanet 79305, MedGen C1865643, MONDO:0011214, OMIM 602347.

Allele frequency attached by ClinVar (database versions not stated): gnomAD 0.00914 and 0.00910; 1000 Genomes Project 0.00639; ExAC 0.01062; gnomAD exomes 0.01133 and 0.00944; 1000 Genomes Project 30x 0.00734; TOPMed 0.00598.
gnomAD v4.1: 15,065 of 1,613,900 alleles (0.93%); highest among the groups gnomAD compares: South Asian, 1.4%; 146 homozygotes.

Submissions (15):

CeGaT Center for Human Genetics Tuebingen
Classification: Benign. Last evaluated: 2026-09-01. Review status: criteria provided, single submitter. Criteria: CeGaT Center For Human Genetics Tuebingen Variant Classification Criteria Version 2. Collection method: clinical testing. Allele origin: germline. Affected: yes. Observed: 18 variant alleles.
Comment: ABCB4: PM5, BP4, BS1, BS2

Genomenon, Inc
Classification: Benign for Familial intrahepatic cholestasis; Low phospholipid associated cholelithiasis. Last evaluated: 2026-04-14. Review status: criteria provided, single submitter. Criteria: Genomenon Sequence Variant Interpretation Standards - Updated. Collection method: curation. Allele origin: germline. Affected: yes.
Comment: ABCB4 p.Thr175Ala (c.523A>G) is a missense variant that changes the amino acid at residue 175 from Threonine to Alanine. This variant has been observed in at least one proband with an ABCB4-related disorder (PMID:37208429;32893960;31538484;29761167;28924228;12891548;23533021;23022423;21119540). Functional studies have been reported (PMID:26474921;26153658). This variant has been observed in multiple homozygous individuals in gnomAD. This variant’s allele frequency in gnomAD is greater than expected for this disorder. We classify ABCB4 p.Thr175Ala (c.523A>G) as a benign variant.

Labcorp Genetics (formerly Invitae), Labcorp
Classification: Benign. Last evaluated: 2026-02-04. Review status: criteria provided, single submitter. Criteria: Invitae Variant Classification Sherloc (09022015). Collection method: clinical testing. Allele origin: germline.

Blueprint Genetics
Classification: Likely benign. Last evaluated: 2024-11-26. Review status: criteria provided, single submitter. Criteria: ACMG Guidelines, 2015. Collection method: clinical testing. Allele origin: germline.

Women's Health and Genetics/Laboratory Corporation of America, LabCorp
Classification: Likely benign. Last evaluated: 2022-02-18. Review status: criteria provided, single submitter. Criteria: LabCorp Variant Classification Summary - May 2015. Collection method: clinical testing. Allele origin: germline.

Genome-Nilou Lab
Classification: Benign for Progressive familial intrahepatic cholestasis type 3. Last evaluated: 2021-05-18. Review status: criteria provided, single submitter. Criteria: ACMG Guidelines, 2015. Collection method: clinical testing. Allele origin: germline. Affected: no.

GeneDx
Classification: Benign. Last evaluated: 2018-04-24. Review status: criteria provided, single submitter. Criteria: GeneDx Variant Classification Process June 2021. Collection method: clinical testing. Allele origin: germline. Affected: yes.
Comment: This variant is associated with the following publications: (PMID: 23022423, 26474921, 28776642, 25888430, 26153658, 20163776, 23533021, 25333069, 22331132, 11313316, 27884173, 28176361, 28924228, 29761167, 31335238, 31538484)

Illumina Laboratory Services, Illumina
Classification: Likely benign for Progressive familial intrahepatic cholestasis type 3. Last evaluated: 2017-04-27. Review status: criteria provided, single submitter. Criteria: ICSL Variant Classification Criteria 13 December 2019. Collection method: clinical testing. Allele origin: germline.
Comment: This variant was observed as part of a predisposition screen in an ostensibly healthy population. A literature search was performed for the gene, cDNA change, and amino acid change (where applicable). Publications were found based on this search. The evidence from the literature, in combination with allele frequency data from public databases where available, was sufficient to determine this variant is unlikely to cause disease. Therefore, this variant is classified as likely benign.

Illumina Laboratory Services, Illumina
Classification: Likely benign for Cholestasis, intrahepatic, of pregnancy, 3. Last evaluated: 2017-04-27. Review status: criteria provided, single submitter. Criteria: ICSL Variant Classification Criteria 13 December 2019. Collection method: clinical testing. Allele origin: germline.
Comment: the same text as in the submission from Illumina Laboratory Services, Illumina above.

Eurofins Ntd Llc (ga)
Classification: Likely benign. Last evaluated: 2016-06-03. Review status: criteria provided, single submitter. Criteria: EGL Classification Definitions 2015. Collection method: clinical testing. Allele origin: germline. Observed: 1 variant allele, 1 heterozygote.

Laboratory for Molecular Medicine, Mass General Brigham Personalized Medicine
Classification: Likely benign. Last evaluated: 2016-03-29. Review status: criteria provided, single submitter. Criteria: LMM Criteria. Collection method: clinical testing. Allele origin: germline.
Comment: Variant identified in a genome or exome case(s) and assessed due to predicted null impact of the variant or pathogenic assertions in the literature or databases. Disclaimer: This variant has not undergone full assessment. The following are preliminary notes: Frequency in ESP (all): 110/13006=8.45%; Frequency in ESP (EA): 103/8600=1.19%

Center for Pediatric Genomic Medicine, Children's Mercy Hospital and Clinics
Classification: Benign. Last evaluated: 2016-01-06. Review status: criteria provided, single submitter. Criteria: ACMG Guidelines, 2015. Collection method: clinical testing. Allele origin: germline.

Breakthrough Genomics
Classification: Likely benign. Review status: criteria provided, single submitter. Criteria: ACMG Guidelines, 2015. Collection method: not provided. Allele origin: germline. Inheritance: Autosomal recessive inheritance. Affected: yes.

PreventionGenetics, part of Exact Sciences
Classification: Benign. Review status: criteria provided, single submitter. Criteria: ACMG Guidelines, 2015. Collection method: clinical testing. Allele origin: germline.

OMIM
Classification: Pathogenic for GALLBLADDER DISEASE 1. Last evaluated: 2001-05-01. Review status: no assertion criteria provided. Collection method: literature only. Allele origin: germline. Not counted in ClinVar's aggregate classification.

Literature cited by the submitters: PubMed 37208429 (cited by Genomenon, Inc); PubMed 32893960 (cited by Genomenon, Inc); PubMed 31538484 (cited by Genomenon, Inc); PubMed 29761167 (cited by Genomenon, Inc); PubMed 28924228 (cited by Genomenon, Inc); PubMed 12891548 (cited by Genomenon, Inc); PubMed 23533021 (cited by Genomenon, Inc and Illumina Laboratory Services, Illumina); PubMed 23022423 (cited by Genomenon, Inc); PubMed 21119540 (cited by Genomenon, Inc); PubMed 26474921 (cited by Genomenon, Inc and Illumina Laboratory Services, Illumina); PubMed 26153658 (cited by Genomenon, Inc and Illumina Laboratory Services, Illumina); PubMed 19018976 (cited by Illumina Laboratory Services, Illumina); PubMed 24914347 (cited by Illumina Laboratory Services, Illumina); PubMed 11313316 (cited by Illumina Laboratory Services, Illumina and OMIM); PubMed 16763017 (cited by Illumina Laboratory Services, Illumina).

NM_000443.4(ABCB4):c.523A>G (p.Thr175Ala)

Gene: ABCB4 (ATP binding cassette subfamily B member 4; minus strand). Cytogenetic location: 7q21.12.
Variant type: single nucleotide variant.
Coding change: c.523A>G on transcript NM_000443.4 (MANE Select); coding-DNA position 523, A replaced by G.
Protein change: p.Thr175Ala; replaces threonine 175 with alanine.
Molecular consequence: missense variant.
Genome position (GRCh38, 1-based): chr7:87,452,957, T>C on the plus strand (A>G on the coding strand, the complement: ABCB4 is on the minus strand). VCF-style: chr7-87452957-T-C. GRCh37 (hg19) VCF-style: chr7-87082273-T-C.
Other names: T175V; c.523A>G, p.Thr175Ala (NM_018850.3, NM_018849.3); short protein forms T175A.
Identifiers: ClinVar variation 13691 (VCV000013691.59), dbSNP rs58238559, ClinGen allele CA123360.